The following is an entry in ClinVar:

ClinVar aggregate classification (germline): Uncertain significance (1 of 4 stars; one submission).

Allele frequency attached by ClinVar (database versions not stated): gnomAD exomes below 0.00001.
gnomAD v4.1: 1 of 1,552,130 alleles (0.000064%); highest among the groups gnomAD compares: Non-Finnish European, 0.000087%; no homozygotes.

Submission:

GeneDx
Classification: Uncertain significance. Last evaluated: 2016-08-04. Review status: criteria provided, single submitter. Criteria: GeneDx Variant Classification (06012015). Collection method: clinical testing. Allele origin: germline. Affected: yes.
Comment: A variant of uncertain significance has been identified in the CHRNA4 gene. The Q432X variant has not been published as a pathogenic variant, nor has it been reported as a benign variant to our knowledge. It was not observed in approximately 6,400 individuals of European and African American ancestry in the NHLBI Exome Sequencing Project, indicating it is not a common benign variant in these populations. The Q432X nonsense variant in the CHRNA4 gene is predicted to cause loss of normal protein function either through protein truncation or nonsense-mediated mRNA decay. However, loss of function variants in the CHRNA4 gene have not been reported in the Human Gene Mutation Database in association with CHRNA4-related disorders (Stenson et al., 2014). Therefore, based on the currently available information, it is unclear whether this variant is a pathogenic variant or a rare benign variant.

NM_000744.7(CHRNA4):c.1294C>T (p.Gln432Ter)

Gene: CHRNA4 (cholinergic receptor nicotinic alpha 4 subunit; minus strand). Cytogenetic location: 20q13.33.
Variant type: single nucleotide variant.
Coding change: c.1294C>T on transcript NM_000744.7 (MANE Select); coding-DNA position 1294, C replaced by T.
Protein change: p.Gln432Ter; replaces glutamine 432 with a stop codon.
Molecular consequence: nonsense. On other transcripts: non-coding transcript variant (1).
Genome position (GRCh38, 1-based): chr20:63,350,117, G>A on the plus strand (C>T on the coding strand, the complement: CHRNA4 is on the minus strand). VCF-style: chr20-63350117-G-A. GRCh37 (hg19) VCF-style: chr20-61981469-G-A.
Other names: c.766C>T, p.Gln256Ter (NM_001256573.2); short protein forms Q432*, Q256*.
Identifiers: ClinVar variation 418749 (VCV000418749.2), dbSNP rs1064793409, ClinGen allele CA16620950.
Genomic context (GRCh38, chr20:63,350,117, plus strand): 5'-GCGGGCGGCAGGGTCCAGGCGAGGGGTGGGGGCTGGCTTTCTCAGCTTCCAGGGGCTGCT[G>A]AGGAGGGAGCTGGTCGGAGGGTGACTTGCAGGAAGGCCCAGGCTCAGCCGGCACATCCAG-3'